The following is an entry in ClinVar:

ClinVar aggregate classification (germline): Uncertain significance (1 of 4 stars; one submission).

Submission:

GeneDx
Classification: Uncertain significance. Last evaluated: 2025-01-28. Review status: criteria provided, single submitter. Criteria: GeneDx Variant Classification Process June 2021. Collection method: clinical testing. Allele origin: germline.
Comment: Not observed at significant frequency in large population cohorts (gnomAD); In silico analysis supports that this missense variant has a deleterious effect on protein structure/function; Has not been previously published as pathogenic or benign to our knowledge

NM_183075.3(CYP2U1):c.1472T>G (p.Met491Arg)

Gene: CYP2U1 (cytochrome P450 family 2 subfamily U member 1; plus strand). Cytogenetic location: 4q25.
Variant type: single nucleotide variant.
Coding change: c.1472T>G on transcript NM_183075.3 (MANE Select); coding-DNA position 1472, T replaced by G.
Protein change: p.Met491Arg; replaces methionine 491 with arginine.
Molecular consequence: missense variant.
Genome position (GRCh38, 1-based): chr4:107,950,260, T>G. VCF-style: chr4-107950260-T-G. GRCh37 (hg19) VCF-style: chr4-108871416-T-G.
Other names: short protein forms M491R.
Identifiers: ClinVar variation 3367321 (VCV003367321.2).